The following is an entry in ClinVar:

NM_138927.4(SON):c.4655C>T (p.Ala1552Val)

Gene: SON (SON DNA and RNA binding protein; plus strand). Cytogenetic location: 21q22.11.
Variant type: single nucleotide variant.
Coding change: c.4655C>T on transcript NM_138927.4 (MANE Select); coding-DNA position 4655, C replaced by T.
Protein change: p.Ala1552Val; replaces alanine 1552 with valine.
Molecular consequence: missense variant. On other transcripts: non-coding transcript variant (1), intron variant (1).
Genome position (GRCh38, 1-based): chr21:33,553,886, C>T. VCF-style: chr21-33553886-C-T. GRCh37 (hg19) VCF-style: chr21-34926192-C-T.
Other names: c.4655C>T, p.Ala1552Val (NM_001291411.2, NM_032195.3); c.245-3270C>T (NM_001291412.3); short protein forms A1552V.
Identifiers: ClinVar variation 4529642 (VCV004529642.1).

ClinVar aggregate classification (germline): Uncertain significance (1 of 4 stars; one submission).

Submission:

GeneDx
Classification: Uncertain significance. Last evaluated: 2025-05-16. Review status: criteria provided, single submitter. Criteria: GeneDx Variant Classification Process June 2021. Collection method: clinical testing. Allele origin: germline. Affected: yes.
Comment: Not observed at significant frequency in large population cohorts (gnomAD); In silico analysis suggests that this missense variant does not alter protein structure/function; Has not been previously published as pathogenic or benign to our knowledge